The following is an entry in ClinVar:

NM_152672.6(SLC51A):c.1015A>C (p.Lys339Gln)

Gene: SLC51A (solute carrier family 51 member A; plus strand). Cytogenetic location: 3q29.
Variant type: single nucleotide variant.
Coding change: c.1015A>C on transcript NM_152672.6 (MANE Select); coding-DNA position 1015, A replaced by C.
Protein change: p.Lys339Gln; replaces lysine 339 with glutamine.
Molecular consequence: missense variant.
Genome position (GRCh38, 1-based): chr3:196,233,191, A>C. VCF-style: chr3-196233191-A-C. GRCh37 (hg19) VCF-style: chr3-195960062-A-C.
Other names: short protein forms K339Q.
Identifiers: ClinVar variation 4986557 (VCV004986557.1).

ClinVar aggregate classification (germline): Uncertain significance (1 of 4 stars; one submission).

Conditions:
SLC51A-related disorder. Also called: SLC51A-related condition.

Submission:

PreventionGenetics, part of Exact Sciences
Classification: Uncertain significance for SLC51A-related condition. Last evaluated: 2025-08-29. Review status: criteria provided, single submitter. Criteria: ACMG Guidelines, 2015. Collection method: clinical testing. Allele origin: germline.
Comment: The SLC51A c.1015A>C variant is predicted to result in the amino acid substitution p.Lys339Gln. To our knowledge, this variant has not been reported in the literature or in a large population database (gnomAD), indicating this variant is rare. At this time, the clinical significance of this variant is uncertain due to the absence of conclusive functional and genetic evidence.